The following is an entry in ClinVar:

ClinVar aggregate classification (germline): Uncertain significance (1 of 4 stars; one submission).

Conditions:
Amyotrophic lateral sclerosis type 10 (ALS10). Also called: TARDBP-Related Amyotrophic Lateral Sclerosis-Frontotemporal Dementia; AMYOTROPHIC LATERAL SCLEROSIS 10 WITHOUT FRONTOTEMPORAL DEMENTIA AND WITH TDP43 INCLUSIONS; AMYOTROPHIC LATERAL SCLEROSIS 10 WITH OR WITHOUT FRONTOTEMPORAL DEMENTIA AND WITH TDP43 INCLUSIONS; AMYOTROPHIC LATERAL SCLEROSIS 10 WITH OR WITHOUT FRONTOTEMPORAL DEMENTIA; Amyotrophic lateral sclerosis 10, with or without FTD. Identifiers: Orphanet 275872, Orphanet 803, MedGen C2677565, MONDO:0012790, OMIM 612069.
FRONTOTEMPORAL LOBAR DEGENERATION WITH TDP43 INCLUSIONS, TARDBP-RELATED. Also called: Frontotemporal lobar degeneration, TARDBP-related. Identifiers: MedGen C3150169, OMIM 612069.

Submission:

Labcorp Genetics (formerly Invitae), Labcorp
Classification: Uncertain significance for Amyotrophic lateral sclerosis type 10; FRONTOTEMPORAL LOBAR DEGENERATION WITH TDP43 INCLUSIONS, TARDBP-RELATED. Last evaluated: 2022-08-08. Review status: criteria provided, single submitter. Criteria: Invitae Variant Classification Sherloc (09022015). Collection method: clinical testing. Allele origin: germline.
Comment: This sequence change replaces phenylalanine, which is neutral and non-polar, with leucine, which is neutral and non-polar, at codon 316 of the TARDBP protein (p.Phe316Leu). In summary, the available evidence is currently insufficient to determine the role of this variant in disease. Therefore, it has been classified as a Variant of Uncertain Significance. Algorithms developed to predict the effect of missense changes on protein structure and function (SIFT, PolyPhen-2, Align-GVGD) all suggest that this variant is likely to be tolerated. This variant has not been reported in the literature in individuals affected with TARDBP-related conditions. This variant is not present in population databases (gnomAD no frequency).

NM_007375.4(TARDBP):c.946T>C (p.Phe316Leu)

Gene: TARDBP (TAR DNA binding protein; plus strand). Cytogenetic location: 1p36.22.
Variant type: single nucleotide variant.
Coding change: c.946T>C on transcript NM_007375.4 (MANE Select); coding-DNA position 946, T replaced by C.
Protein change: p.Phe316Leu; replaces phenylalanine 316 with leucine.
Molecular consequence: missense variant.
Genome position (GRCh38, 1-based): chr1:11,022,355, T>C. VCF-style: chr1-11022355-T-C. GRCh37 (hg19) VCF-style: chr1-11082412-T-C.
Other names: short protein forms F316L.
Identifiers: ClinVar variation 1713356 (VCV001713356.5), dbSNP rs2521341521, ClinGen allele CA338366619.